The following is an entry in ClinVar:

ClinVar aggregate classification (germline): Pathogenic (0 of 4 stars; one submission).

Conditions:
Developmental and epileptic encephalopathy, 11 (DEE11). Also called: Early infantile epileptic encephalopathy 11. Identifiers: Orphanet 1934, MedGen C3150987, MONDO:0013388, OMIM 613721.

Submissions (2):

OMIM
Classification: Pathogenic for DEVELOPMENTAL AND EPILEPTIC ENCEPHALOPATHY 11. Last evaluated: 2009-09-29. Review status: no assertion criteria provided. Collection method: literature only. Allele origin: germline.

Channelopathy-Associated Epilepsy Research Center
No classification provided (evidence only). Condition: Complex neurodevelopmental disorder. Review status: no classification provided. Collection method: literature only. Allele origin: not applicable. Functional consequence: Severe hyperpolarizing shift of voltage dependence of activation, Normal rate of recovery from fast inactivation, Normal voltage dependence of fast inactivation, Overall gain-of-function. Not counted in ClinVar's aggregate classification.
ClinVar note: "not provided" was previously submitted as the classification for the variant. However, the classification appeared to be based only on an observation of functional data so it was converted to no classification on 2025-07-30.

Literature cited by the submitters: PubMed 19786696 (cited by OMIM and Channelopathy-Associated Epilepsy Research Center).

NM_001040142.2(SCN2A):c.4419A>G (p.Ile1473Met)

Gene: SCN2A (sodium voltage-gated channel alpha subunit 2; plus strand). Cytogenetic location: 2q24.3.
Variant type: single nucleotide variant.
Coding change: c.4419A>G on transcript NM_001040142.2 (MANE Select); coding-DNA position 4419, A replaced by G.
Protein change: p.Ile1473Met; replaces isoleucine 1473 with methionine.
Molecular consequence: missense variant.
Genome position (GRCh38, 1-based): chr2:165,380,702, A>G. VCF-style: chr2-165380702-A-G. GRCh37 (hg19) VCF-style: chr2-166237212-A-G.
Other names: c.4419A>G, p.Ile1473Met (NM_001040143.2, NM_001371246.1, NM_001371247.1 and 1 more transcripts); short protein forms I1473M.
Identifiers: ClinVar variation 29887 (VCV000029887.5), dbSNP rs387906685, ClinGen allele CA128710.